The following is an entry in ClinVar:

ClinVar aggregate classification (germline): Conflicting classifications of pathogenicity. Review status: criteria provided, conflicting classifications (1 of 4 stars). 2 submissions from 2 submitters: Uncertain significance (1); Likely benign (1). Last evaluated 2026-05-01.

Allele frequency attached by ClinVar (database versions not stated): gnomAD 0.00001; gnomAD exomes 0.00001; TOPMed 0.00002.
gnomAD v4.1: 15 of 1,613,896 alleles (0.00093%); highest among the groups gnomAD compares: African/African-American, 0.0027%; no homozygotes.

Submissions (2):

CeGaT Center for Human Genetics Tuebingen
Classification: Likely benign. Last evaluated: 2026-05-01. Review status: criteria provided, single submitter. Criteria: CeGaT Center For Human Genetics Tuebingen Variant Classification Criteria Version 2. Collection method: clinical testing. Allele origin: germline. Affected: yes. Observed: 1 variant allele.
Comment: MICAL1: BP4

Labcorp Genetics (formerly Invitae), Labcorp
Classification: Uncertain significance. Last evaluated: 2025-10-29. Review status: criteria provided, single submitter. Criteria: Invitae Variant Classification Sherloc (09022015). Collection method: clinical testing. Allele origin: germline.
Comment: This sequence change replaces valine, which is neutral and non-polar, with methionine, which is neutral and non-polar, at codon 610 of the MICAL1 protein (p.Val610Met). This variant is present in population databases (no rsID available, gnomAD 0.005%). This variant has not been reported in the literature in individuals affected with MICAL1-related conditions. ClinVar contains an entry for this variant (Variation ID: 2900396). An algorithm developed to predict the effect of missense changes on protein structure and function outputs the following: PolyPhen-2: "Benign". The methionine amino acid residue is found in multiple mammalian species, which suggests that this missense change does not adversely affect protein function. In summary, the available evidence is currently insufficient to determine the role of this variant in disease. Therefore, it has been classified as a Variant of Uncertain Significance.

NM_022765.4(MICAL1):c.1771G>A (p.Val591Met)

Gene: MICAL1 (microtubule associated monooxygenase, calponin and LIM domain containing 1; minus strand). Cytogenetic location: 6q21.
Variant type: single nucleotide variant.
Coding change: c.1771G>A on transcript NM_022765.4 (MANE Select); coding-DNA position 1771, G replaced by A.
Protein change: p.Val591Met; replaces valine 591 with methionine.
Molecular consequence: missense variant.
Genome position (GRCh38, 1-based): chr6:109,448,287, C>T on the plus strand (G>A on the coding strand, the complement: MICAL1 is on the minus strand). VCF-style: chr6-109448287-C-T. GRCh37 (hg19) VCF-style: chr6-109769490-C-T.
Other names: c.1513G>A, p.Val505Met (NM_001159291.2); c.1828G>A, p.Val610Met (NM_001286613.2); short protein forms V505M, V591M, V610M.
Identifiers: ClinVar variation 2900396 (VCV002900396.5), dbSNP rs989929012, ClinGen allele CA145119452.